The following is an entry in ClinVar:

NM_052934.4(SLC26A9):c.2055+5G>A

Gene: SLC26A9 (solute carrier family 26 member 9; minus strand). Cytogenetic location: 1q32.1.
Variant type: single nucleotide variant.
Coding change: c.2055+5G>A on transcript NM_052934.4 (MANE Select); 5 bases into the intron after coding-DNA position 2055, G replaced by A.
Molecular consequence: intron variant.
Genome position (GRCh38, 1-based): chr1:205,921,561, C>T on the plus strand (G>A on the coding strand, the complement: SLC26A9 is on the minus strand). VCF-style: chr1-205921561-C-T. GRCh37 (hg19) VCF-style: chr1-205890689-C-T.
Other names: c.2055+5G>A (NM_134325.3).
Identifiers: ClinVar variation 3777978 (VCV003777978.7).

ClinVar aggregate classification (germline): Likely benign (1 of 4 stars; one submission).

gnomAD v4.1: 133 of 1,605,054 alleles (0.0083%); highest among the groups gnomAD compares: Middle Eastern, 0.23%; no homozygotes.

Submission:

CeGaT Center for Human Genetics Tuebingen
Classification: Likely benign. Last evaluated: 2025-03-01. Review status: criteria provided, single submitter. Criteria: CeGaT Center For Human Genetics Tuebingen Variant Classification Criteria Version 2. Collection method: clinical testing. Allele origin: germline. Affected: yes. Observed: 1 variant allele.
Comment: SLC26A9: BP4